The following is an entry in ClinVar:

NM_001372.4(DNAH9):c.3354-1G>A

Gene: DNAH9 (dynein axonemal heavy chain 9; plus strand). Cytogenetic location: 17p12.
Variant type: single nucleotide variant.
Coding change: c.3354-1G>A on transcript NM_001372.4 (MANE Select); the canonical splice acceptor site of the intron before coding-DNA position 3354, G replaced by A.
Molecular consequence: splice acceptor variant.
Genome position (GRCh38, 1-based): chr17:11,679,756, G>A. VCF-style: chr17-11679756-G-A. GRCh37 (hg19) VCF-style: chr17-11583073-G-A.
Identifiers: ClinVar variation 1516590 (VCV001516590.6), dbSNP rs969193071, ClinGen allele CA398183525.

ClinVar aggregate classification (germline): Likely pathogenic (1 of 4 stars; one submission).

Allele frequency attached by ClinVar (database versions not stated): gnomAD exomes below 0.00001.
gnomAD v4.1: 4 of 1,610,774 alleles (0.00025%); highest among the groups gnomAD compares: Non-Finnish European, 0.00034%; no homozygotes.

Submission:

Labcorp Genetics (formerly Invitae), Labcorp
Classification: Likely pathogenic. Last evaluated: 2021-09-10. Review status: criteria provided, single submitter. Criteria: Invitae Variant Classification Sherloc (09022015). Collection method: clinical testing. Allele origin: germline.
Comment: This sequence change affects an acceptor splice site in intron 17 of the DNAH9 gene. It is expected to disrupt RNA splicing. Variants that disrupt the donor or acceptor splice site typically lead to a loss of protein function (PMID: 16199547), and loss-of-function variants in DNAH9 are known to be pathogenic (PMID: 30471718). In summary, the currently available evidence indicates that the variant is pathogenic, but additional data are needed to prove that conclusively. Therefore, this variant has been classified as Likely Pathogenic. Algorithms developed to predict the effect of sequence changes on RNA splicing suggest that this variant may disrupt the consensus splice site. Disruption of this splice site has been observed in individual(s) with primary ciliary dyskinesia (PMID: 30471718). This variant is not present in population databases (ExAC no frequency).

Literature cited by the submitters: PubMed 16199547; PubMed 30471718.